The following is an entry in ClinVar:

NM_032608.7(MYO18B):c.740C>T (p.Thr247Ile)

Gene: MYO18B (myosin XVIIIB; plus strand). Cytogenetic location: 22q12.1.
Variant type: single nucleotide variant.
Coding change: c.740C>T on transcript NM_032608.7 (MANE Select); coding-DNA position 740, C replaced by T.
Protein change: p.Thr247Ile; replaces threonine 247 with isoleucine.
Molecular consequence: missense variant.
Genome position (GRCh38, 1-based): chr22:25,768,656, C>T. VCF-style: chr22-25768656-C-T. GRCh37 (hg19) VCF-style: chr22-26164623-C-T.
Other names: c.740C>T, p.Thr247Ile (NM_001318245.2); short protein forms T247I.
Identifiers: ClinVar variation 1975478 (VCV001975478.4), dbSNP rs780457718, ClinGen allele CA10159680.
Genomic context (GRCh38, chr22:25,768,656, plus strand): 5'-GAACTGTGGCACTGAAAAAAGGCGAGGAGGGTCAAAGCATAGTGGGGAAGGGGCTTGGGA[C>T]CCCCAAGACCACAGAGCTGAAAGAGGCTGAGCCCCAGGGCAAAGACAGGCAGGGGACCAG-3'
Protein context (NP_115997.5, residues 237-257): GQSIVGKGLG[Thr247Ile]PKTTELKEAE

ClinVar aggregate classification (germline): Uncertain significance (1 of 4 stars; one submission).

Allele frequency attached by ClinVar (database versions not stated): ExAC 0.00001.
gnomAD v4.1: 6 of 1,532,808 alleles (0.00039%); highest among the groups gnomAD compares: East Asian, 0.0045%; no homozygotes.

Submission:

Labcorp Genetics (formerly Invitae), Labcorp
Classification: Uncertain significance. Last evaluated: 2022-06-14. Review status: criteria provided, single submitter. Criteria: Invitae Variant Classification Sherloc (09022015). Collection method: clinical testing. Allele origin: germline.
Comment: In summary, the available evidence is currently insufficient to determine the role of this variant in disease. Therefore, it has been classified as a Variant of Uncertain Significance. Algorithms developed to predict the effect of missense changes on protein structure and function are either unavailable or do not agree on the potential impact of this missense change (SIFT: "Not Available"; PolyPhen-2: "Benign"; Align-GVGD: "Not Available"). This variant has not been reported in the literature in individuals affected with MYO18B-related conditions. The frequency data for this variant in the population databases is considered unreliable, as metrics indicate poor data quality at this position in the gnomAD database. This sequence change replaces threonine, which is neutral and polar, with isoleucine, which is neutral and non-polar, at codon 247 of the MYO18B protein (p.Thr247Ile).